The following is an entry in ClinVar:

ClinVar aggregate classification (germline): Uncertain significance (1 of 4 stars; one submission).

Conditions:
Hereditary cancer-predisposing syndrome. Also called: Neoplastic Syndromes, Hereditary; Tumor predisposition; Hereditary neoplastic syndrome; Hereditary Cancer Syndrome. Identifiers: Orphanet 140162, MedGen C0027672, MeSH D009386, MONDO:0015356.
Cardiovascular phenotype. Identifiers: MedGen CN230736.

gnomAD v4.1: 1 of 1,613,820 alleles (0.000062%); highest among the groups gnomAD compares: Non-Finnish European, 0.000085%; no homozygotes.

Submission:

Ambry Genetics
Classification: Uncertain significance for Cardiovascular phenotype; Hereditary cancer-predisposing syndrome. Last evaluated: 2023-08-27. Review status: criteria provided, single submitter. Criteria: Ambry Variant Classification Scheme 2023. Collection method: clinical testing. Allele origin: germline.
Comment: The p.G444C variant (also known as c.1330G>T), located in coding exon 12 of the NF1 gene, results from a G to T substitution at nucleotide position 1330. The glycine at codon 444 is replaced by cysteine, an amino acid with highly dissimilar properties. This amino acid position is conserved. In addition, the in silico prediction for this alteration is inconclusive. Since supporting evidence is limited at this time, the clinical significance of this alteration remains unclear.

NM_001042492.3(NF1):c.1330G>T (p.Gly444Cys)

Gene: NF1 (neurofibromin 1; plus strand). Cytogenetic location: 17q11.2.
Variant type: single nucleotide variant.
Coding change: c.1330G>T on transcript NM_001042492.3 (MANE Select); coding-DNA position 1330, G replaced by T.
Protein change: p.Gly444Cys; replaces glycine 444 with cysteine.
Molecular consequence: missense variant.
Genome position (GRCh38, 1-based): chr17:31,206,309, G>T. VCF-style: chr17-31206309-G-T. GRCh37 (hg19) VCF-style: chr17-29533327-G-T.
Other names: c.1330G>T, p.Gly444Cys (NM_000267.4, NM_001128147.3); short protein forms G444C.
Identifiers: ClinVar variation 3238137 (VCV003238137.1), dbSNP rs1162173842.